The following is an entry in ClinVar:

NM_007325.5(GRIA3):c.1701C>A (p.Ser567Arg)

Gene: GRIA3 (glutamate ionotropic receptor AMPA type subunit 3; plus strand). Cytogenetic location: Xq25.
Variant type: single nucleotide variant.
Coding change: c.1701C>A on transcript NM_007325.5 (MANE Select); coding-DNA position 1701, C replaced by A.
Protein change: p.Ser567Arg; replaces serine 567 with arginine.
Molecular consequence: missense variant.
Genome position (GRCh38, 1-based): chrX:123,417,602, C>A. VCF-style: chrX-123417602-C-A. GRCh37 (hg19) VCF-style: chrX-122551453-C-A.
Other names: c.1701C>A, p.Ser567Arg (NM_000828.5); short protein forms S567R.
Identifiers: ClinVar variation 93435 (VCV000093435.12), dbSNP rs398123524, ClinGen allele CA221366.

ClinVar aggregate classification (germline): Uncertain significance. Review status: criteria provided, multiple submitters, no conflicts (2 of 4 stars). 4 submissions from 4 submitters: Uncertain significance (4). Last evaluated 2023-10-18.

Conditions:
Syndromic X-linked intellectual disability 94 (MRXSW). Also called: X-linked intellectual disability due to GRIA3 anomalies; MENTAL RETARDATION, X-LINKED, SYNDROMIC 29. Identifiers: Orphanet 364028, MedGen C2678051, MONDO:0010402, OMIM 300699.

Submissions (4):

Labcorp Genetics (formerly Invitae), Labcorp
Classification: Uncertain significance. Last evaluated: 2023-10-18. Review status: criteria provided, single submitter. Criteria: Invitae Variant Classification Sherloc (09022015). Collection method: clinical testing. Allele origin: germline.
Comment: This sequence change replaces serine, which is neutral and polar, with arginine, which is basic and polar, at codon 567 of the GRIA3 protein (p.Ser567Arg). This variant is not present in population databases (gnomAD no frequency). This variant has not been reported in the literature in individuals affected with GRIA3-related conditions. ClinVar contains an entry for this variant (Variation ID: 93435). Advanced modeling of protein sequence and biophysical properties (such as structural, functional, and spatial information, amino acid conservation, physicochemical variation, residue mobility, and thermodynamic stability) performed at Invitae indicates that this missense variant is expected to disrupt GRIA3 protein function. In summary, the available evidence is currently insufficient to determine the role of this variant in disease. Therefore, it has been classified as a Variant of Uncertain Significance.

MGZ Medical Genetics Center
Classification: Uncertain significance for Syndromic X-linked intellectual disability 94. Last evaluated: 2022-05-31. Review status: criteria provided, single submitter. Criteria: ACMG Guidelines, 2015. Collection method: clinical testing. Allele origin: germline. Affected: yes. Observed: 1 variant allele.
Comment: ACMG criteria applied: PM2_SUP, PP2, PP3

GeneDx
Classification: Uncertain significance. Last evaluated: 2022-04-11. Review status: criteria provided, single submitter. Criteria: GeneDx Variant Classification Process June 2021. Collection method: clinical testing. Allele origin: germline. Affected: yes.
Comment: Not observed at significant frequency in large population cohorts (gnomAD); In silico analysis supports that this missense variant has a deleterious effect on protein structure/function; Has not been previously published as pathogenic or benign to our knowledge

Eurofins Ntd Llc (ga)
Classification: Uncertain significance. Last evaluated: 2013-09-24. Review status: criteria provided, single submitter. Criteria: EGL Classification Definitions 2015. Collection method: clinical testing. Allele origin: germline. Observed: 3 variant alleles, 1 heterozygote, 2 hemizygotes.